The following is an entry in ClinVar:

NM_022836.4(DCLRE1B):c.1058T>C (p.Val353Ala)

Gene: DCLRE1B (DNA cross-link repair 1B; plus strand). Cytogenetic location: 1p13.2.
Variant type: single nucleotide variant.
Coding change: c.1058T>C on transcript NM_022836.4 (MANE Select); coding-DNA position 1058, T replaced by C.
Protein change: p.Val353Ala; replaces valine 353 with alanine.
Molecular consequence: missense variant.
Genome position (GRCh38, 1-based): chr1:113,911,650, T>C. VCF-style: chr1-113911650-T-C. GRCh37 (hg19) VCF-style: chr1-114454272-T-C.
Other names: c.680T>C, p.Val227Ala (NM_001319946.2, NM_001319947.2, NM_001363691.2); c.1058T>C, p.Val353Ala (NM_001363690.2); short protein forms V353A, V227A.
Identifiers: ClinVar variation 834452 (VCV000834452.9), dbSNP rs777529403, ClinGen allele CA1016522.

ClinVar aggregate classification (germline): Uncertain significance (1 of 4 stars; one submission).

Conditions:
Autosomal recessive dyskeratosis congenita. Identifiers: MedGen C3502105.
Hoyeraal-Hreidarsson syndrome (HHS). Also called: CEREBELLAR HYPOPLASIA WITH PANCYTOPENIA. Identifiers: Orphanet 3322, MedGen C1846142, MONDO:0018045.

Allele frequency attached by ClinVar (database versions not stated): TOPMed below 0.00001; ExAC 0.00001; gnomAD exomes 0.00001 and 0.00002.
gnomAD v4.1: 8 of 1,606,926 alleles (0.0005%); highest among the groups gnomAD compares: Admixed American, 0.012%; no homozygotes.

Submission:

Labcorp Genetics (formerly Invitae), Labcorp
Classification: Uncertain significance for Hoyeraal-Hreidarsson syndrome; Autosomal recessive dyskeratosis congenita. Last evaluated: 2019-04-05. Review status: criteria provided, single submitter. Criteria: Invitae Variant Classification Sherloc (09022015). Collection method: clinical testing. Allele origin: germline.
Comment: This sequence change replaces valine with alanine at codon 353 of the DCLRE1B protein (p.Val353Ala). The valine residue is highly conserved and there is a small physicochemical difference between valine and alanine. This variant is present in population databases (rs777529403, ExAC 0.009%). In summary, the available evidence is currently insufficient to determine the role of this variant in disease. Therefore, it has been classified as a Variant of Uncertain Significance. Algorithms developed to predict the effect of missense changes on protein structure and function (SIFT, PolyPhen-2, Align-GVGD) all suggest that this variant is likely to be tolerated, but these predictions have not been confirmed by published functional studies and their clinical significance is uncertain. This variant has not been reported in the literature in individuals with DCLRE1B-related conditions.